The following is an entry in ClinVar:

NM_001723.7(DST):c.6023T>C (p.Leu2008Pro)

Gene: DST (dystonin; minus strand). Cytogenetic location: 6p12.1.
Variant type: single nucleotide variant.
Coding change: c.6023T>C on transcript NM_001723.7 (MANE Plus Clinical); coding-DNA position 6023, T replaced by C.
Protein change: p.Leu2008Pro; replaces leucine 2008 with proline.
Molecular consequence: missense variant. On other transcripts: intron variant (10).
Genome position (GRCh38, 1-based): chr6:56,618,011, A>G on the plus strand (T>C on the coding strand, the complement: DST is on the minus strand). VCF-style: chr6-56618011-A-G. GRCh37 (hg19) VCF-style: chr6-56482809-A-G.
Other names: c.4831-3527T>C (NM_001144769.5); c.4930-3527T>C (NM_001374722.1, NM_001374736.1); c.4957-3527T>C (NM_001374734.1); c.4417-3527T>C (NM_001144770.2); c.4297-3527T>C (NM_001374730.1, NM_001386100.1, NM_183380.4 and 1 more transcripts); c.3319-3527T>C (NM_015548.5); short protein forms L2008P.
Identifiers: ClinVar variation 541455 (VCV000541455.9), dbSNP rs146392434, ClinGen allele CA3870260.
Genomic context (GRCh38, chr6:56,618,011, plus strand): 5'-AGGTAGCTGATAAGGTCTCAGAACACAGAGTATACCTCTAAGGGTGTCAAAACCTTCACC[A>G]GTTCCATTTCACATGCGTTATCTTGATACCTAACAGGTGGTCTAGAATTGTTCAGGGCTT-3'
Protein context (NP_001714.1, residues 1998-2018): RYQDNACEME[Leu2008Pro]VKVLTPLEIA

ClinVar aggregate classification (germline): Uncertain significance (1 of 4 stars; one submission).

Conditions:
Hereditary sensory and autonomic neuropathy type 6. Also called: HSAN VI; Neuropathy, hereditary sensory and autonomic, type VI. Identifiers: Orphanet 314381, MedGen C3539003, MONDO:0013839, OMIM 614653.
Epidermolysis bullosa simplex 3, localized or generalized intermediate, with BP230 deficiency (EBS3). Also called: Epidermolysis bullosa simplex, autosomal recessive 2; Epidermolysis bullosa simplex due to BP230 deficiency. Identifiers: Orphanet 412181, MedGen C3809470, MONDO:0014180, OMIM 615425.

Allele frequency attached by ClinVar (database versions not stated): gnomAD exomes 0.00001 and 0.00003; ExAC 0.00005; TOPMed 0.00007; gnomAD 0.00008 and 0.00011; ESP Exome Variant Server 0.00015.
gnomAD v4.1: 27 of 1,614,018 alleles (0.0017%); highest among the groups gnomAD compares: African/African-American, 0.025%; no homozygotes.

Submission:

Labcorp Genetics (formerly Invitae), Labcorp
Classification: Uncertain significance for Epidermolysis bullosa simplex 3, localized or generalized intermediate, with BP230 deficiency; Hereditary sensory and autonomic neuropathy type 6. Last evaluated: 2023-09-29. Review status: criteria provided, single submitter. Criteria: Invitae Variant Classification Sherloc (09022015). Collection method: clinical testing. Allele origin: germline.
Comment: This sequence change replaces leucine, which is neutral and non-polar, with proline, which is neutral and non-polar, at codon 2008 of the DST protein (p.Leu2008Pro). This variant is present in population databases (rs146392434, gnomAD 0.04%). This variant has not been reported in the literature in individuals affected with DST-related conditions. ClinVar contains an entry for this variant (Variation ID: 541455). An algorithm developed to predict the effect of missense changes on protein structure and function (PolyPhen-2) suggests that this variant is likely to be disruptive. In summary, the available evidence is currently insufficient to determine the role of this variant in disease. Therefore, it has been classified as a Variant of Uncertain Significance.